The following is an entry in ClinVar:

NM_001164405.2(BHLHA9):c.292G>A (p.Gly98Ser)

Gene: BHLHA9 (basic helix-loop-helix family member a9; plus strand). Cytogenetic location: 17p13.3.
Variant type: single nucleotide variant.
Coding change: c.292G>A on transcript NM_001164405.2 (MANE Select); coding-DNA position 292, G replaced by A.
Protein change: p.Gly98Ser; replaces glycine 98 with serine.
Molecular consequence: missense variant.
Genome position (GRCh38, 1-based): chr17:1,270,855, G>A. VCF-style: chr17-1270855-G-A. GRCh37 (hg19) VCF-style: chr17-1174149-G-A.
Other names: c.292G>A (NM_001164405.1); short protein forms G98S.
Identifiers: ClinVar variation 1425687 (VCV001425687.9), dbSNP rs530313653, ClinGen allele CA8265813.
Genomic context (GRCh38, chr17:1,270,855, plus strand): 5'-ATCCTAGACTACAACGAGGCCTTCAACGCGCTGCGCCGGGCGCTGCGGCACGACCTGGGC[G>A]GCAAGAGGCTCTCCAAGATCGCCACGCTGCGCAGGGCCATCCACCGCATCGCCGCGCTCT-3'
Protein context (NP_001157877.1, residues 88-108): LRRALRHDLG[Gly98Ser]KRLSKIATLR

ClinVar aggregate classification (germline): Uncertain significance. Review status: criteria provided, multiple submitters, no conflicts (2 of 4 stars). 2 submissions from 2 submitters: Uncertain significance (2). Last evaluated 2025-12-17.

Conditions:
Inborn genetic diseases. Identifiers: MedGen C0950123, MeSH D030342.

Allele frequency attached by ClinVar (database versions not stated): gnomAD 0.00002 and 0.00008; TOPMed 0.00005; 1000 Genomes Project 0.00020; gnomAD exomes 0.00024; 1000 Genomes Project 30x 0.00031; ExAC 0.00064.

Submissions (2):

Labcorp Genetics (formerly Invitae), Labcorp
Classification: Uncertain significance. Last evaluated: 2025-12-17. Review status: criteria provided, single submitter. Criteria: Invitae Variant Classification Sherloc (09022015). Collection method: clinical testing. Allele origin: germline.
Comment: This sequence change replaces glycine, which is neutral and non-polar, with serine, which is neutral and polar, at codon 98 of the BHLHA9 protein (p.Gly98Ser). This variant is present in population databases (rs530313653, gnomAD 0.09%), including at least one homozygous and/or hemizygous individual. This variant has not been reported in the literature in individuals affected with BHLHA9-related conditions. ClinVar contains an entry for this variant (Variation ID: 1425687). An algorithm developed to predict the effect of missense changes on protein structure and function (PolyPhen-2) suggests that this variant is likely to be disruptive. In summary, the available evidence is currently insufficient to determine the role of this variant in disease. Therefore, it has been classified as a Variant of Uncertain Significance.

Ambry Genetics
Classification: Uncertain significance for Inborn genetic diseases. Last evaluated: 2025-04-08. Review status: criteria provided, single submitter. Criteria: Ambry Variant Classification Scheme 2023. Collection method: clinical testing. Allele origin: germline.